The following is an entry in ClinVar:

NM_144682.6(SLFN13):c.454G>A (p.Asp152Asn)

Gene: SLFN13 (schlafen family member 13; minus strand). Cytogenetic location: 17q12.
Variant type: single nucleotide variant.
Coding change: c.454G>A on transcript NM_144682.6 (MANE Select); coding-DNA position 454, G replaced by A.
Protein change: p.Asp152Asn; replaces aspartic acid 152 with asparagine.
Molecular consequence: missense variant.
Genome position (GRCh38, 1-based): chr17:35,445,227, C>T on the plus strand (G>A on the coding strand, the complement: SLFN13 is on the minus strand). VCF-style: chr17-35445227-C-T. GRCh37 (hg19) VCF-style: chr17-33772246-C-T.
Other names: short protein forms D152N.
Identifiers: ClinVar variation 2647669 (VCV002647669.24), dbSNP rs115889903, ClinGen allele CA8504003.
Genomic context (GRCh38, chr17:35,445,227, plus strand): 5'-GTGGAGACCCTTCATTAATCAGATTATATTTGGACTGTCTTTCCTTGGTCTTCAGGAAAT[C>T]GAATGCCTGTCTTGAATTCATGTGAAGCACAGAGGTGCCAGATCTACAGTATAATGAAGA-3'
Protein context (NP_653283.3, residues 142-162): VLHMNSRQAF[Asp152Asn]FLKTKERQSK

ClinVar aggregate classification (germline): Likely benign (1 of 4 stars; one submission).

Allele frequency attached by ClinVar (database versions not stated): 1000 Genomes Project 30x 0.00219; 1000 Genomes Project 0.00280; TOPMed 0.00450; ESP Exome Variant Server 0.00477; ExAC 0.00549; gnomAD 0.00568; gnomAD exomes 0.00669.
gnomAD v4.1: 10,560 of 1,613,852 alleles (0.65%); highest among the groups gnomAD compares: Non-Finnish European, 0.72%; 48 homozygotes.

Submission:

CeGaT Center for Human Genetics Tuebingen
Classification: Likely benign. Last evaluated: 2023-03-01. Review status: criteria provided, single submitter. Criteria: CeGaT Center For Human Genetics Tuebingen Variant Classification Criteria Version 2. Collection method: clinical testing. Allele origin: germline. Affected: yes. Observed: 1 variant allele.
Comment: SLFN13: BP4, BS2